The following is an entry in ClinVar:

NM_001376.5(DYNC1H1):c.11365A>G (p.Ile3789Val)

Gene: DYNC1H1 (dynein cytoplasmic 1 heavy chain 1; plus strand). Cytogenetic location: 14q32.31.
Variant type: single nucleotide variant.
Coding change: c.11365A>G on transcript NM_001376.5 (MANE Select); coding-DNA position 11365, A replaced by G.
Protein change: p.Ile3789Val; replaces isoleucine 3789 with valine.
Molecular consequence: missense variant.
Genome position (GRCh38, 1-based): chr14:102,039,159, A>G. VCF-style: chr14-102039159-A-G. GRCh37 (hg19) VCF-style: chr14-102505496-A-G.
Other names: short protein forms I3789V.
Identifiers: ClinVar variation 833997 (VCV000833997.11), dbSNP rs1177877033, ClinGen allele CA391033575.

ClinVar aggregate classification (germline): Conflicting classifications of pathogenicity. Review status: criteria provided, conflicting classifications (1 of 4 stars). 3 submissions from 3 submitters: Uncertain significance (2); Likely benign (1). Last evaluated 2025-11-10.

Conditions:
Charcot-Marie-Tooth disease axonal type 2O. Also called: Charcot-Marie-Tooth disease, axonal, type 20; CHARCOT-MARIE-TOOTH NEUROPATHY, AXONAL, TYPE 2O; CHARCOT-MARIE-TOOTH DISEASE, AXONAL, AUTOSOMAL DOMINANT, TYPE 2O; Charcot-Marie-Tooth Neuropathy Type 2O. Identifiers: Orphanet 284232, MedGen C3280220, MONDO:0013644, OMIM 614228.
Inborn genetic diseases. Identifiers: MedGen C0950123, MeSH D030342.

Allele frequency attached by ClinVar (database versions not stated): gnomAD exomes below 0.00001 and 0.00001; TOPMed 0.00001.
gnomAD v4.1: 4 of 1,614,206 alleles (0.00025%); highest among the groups gnomAD compares: Admixed American, 0.005%; no homozygotes.

Submissions (3):

Labcorp Genetics (formerly Invitae), Labcorp
Classification: Likely benign for Charcot-Marie-Tooth disease axonal type 2O. Last evaluated: 2025-11-10. Review status: criteria provided, single submitter. Criteria: Invitae Variant Classification Sherloc (09022015). Collection method: clinical testing. Allele origin: germline.

Ambry Genetics
Classification: Uncertain significance for Inborn genetic diseases. Last evaluated: 2024-01-23. Review status: criteria provided, single submitter. Criteria: Ambry Variant Classification Scheme 2023. Collection method: clinical testing. Allele origin: germline.

GeneDx
Classification: Uncertain significance. Last evaluated: 2023-01-05. Review status: criteria provided, single submitter. Criteria: GeneDx Variant Classification Process June 2021. Collection method: clinical testing. Allele origin: germline. Affected: yes.
Comment: In silico analysis supports that this missense variant does not alter protein structure/function; Has not been previously published as pathogenic or benign to our knowledge; This variant is associated with the following publications: (PMID: 26100331, 25609763, 25512093)